The following is an entry in ClinVar:

NM_001035.3(RYR2):c.983C>G (p.Ala328Gly)

Gene: RYR2 (ryanodine receptor 2; plus strand). Cytogenetic location: 1q43.
Variant type: single nucleotide variant.
Coding change: c.983C>G on transcript NM_001035.3 (MANE Select); coding-DNA position 983, C replaced by G.
Protein change: p.Ala328Gly; replaces alanine 328 with glycine.
Molecular consequence: missense variant.
Genome position (GRCh38, 1-based): chr1:237,423,226, C>G. VCF-style: chr1-237423226-C-G. GRCh37 (hg19) VCF-style: chr1-237586526-C-G.
Other names: short protein forms A328G.
Identifiers: ClinVar variation 4800051 (VCV004800051.1).

ClinVar aggregate classification (germline): Uncertain significance (1 of 4 stars; one submission).

Conditions:
Catecholaminergic polymorphic ventricular tachycardia 1. Also called: VENTRICULAR TACHYCARDIA, STRESS-INDUCED POLYMORPHIC 1; RYR2-Related Catecholaminergic Polymorphic Ventricular Tachycardia; VENTRICULAR TACHYCARDIA, CATECHOLAMINERGIC POLYMORPHIC, 1, WITH OR WITHOUT ATRIAL DYSFUNCTION AND/OR DILATED CARDIOMYOPATHY. Identifiers: Orphanet 3286, MedGen C1631597, MONDO:0011484, OMIM 604772.

Submission:

Labcorp Genetics (formerly Invitae), Labcorp
Classification: Uncertain significance for Catecholaminergic polymorphic ventricular tachycardia 1. Last evaluated: 2025-09-29. Review status: criteria provided, single submitter. Criteria: Invitae Variant Classification Sherloc (09022015). Collection method: clinical testing. Allele origin: germline.
Comment: This sequence change replaces alanine, which is neutral and non-polar, with glycine, which is neutral and non-polar, at codon 328 of the RYR2 protein (p.Ala328Gly). This variant is not present in population databases (gnomAD no frequency). This variant has not been reported in the literature in individuals affected with RYR2-related conditions. Invitae Evidence Modeling of protein sequence and biophysical properties (such as structural, functional, and spatial information, amino acid conservation, physicochemical variation, residue mobility, and thermodynamic stability) has been performed for this missense variant. However, the output from this modeling did not meet the statistical confidence thresholds required to predict the impact of this variant on RYR2 protein function. In summary, the available evidence is currently insufficient to determine the role of this variant in disease. Therefore, it has been classified as a Variant of Uncertain Significance.